The following is an entry in ClinVar:

NM_018942.3(HMX1):c.335G>T (p.Gly112Val)

Gene: HMX1 (H6 family homeobox 1; minus strand). Cytogenetic location: 4p16.1.
Variant type: single nucleotide variant.
Coding change: c.335G>T on transcript NM_018942.3 (MANE Select); coding-DNA position 335, G replaced by T.
Protein change: p.Gly112Val; replaces glycine 112 with valine.
Molecular consequence: missense variant.
Genome position (GRCh38, 1-based): chr4:8,871,280, C>A on the plus strand (G>T on the coding strand, the complement: HMX1 is on the minus strand). VCF-style: chr4-8871280-C-A. GRCh37 (hg19) VCF-style: chr4-8873006-C-A.
Other names: c.335G>T, p.Gly112Val (NM_001306142.2); short protein forms G112V.
Identifiers: ClinVar variation 872211 (VCV000872211.47), dbSNP rs777752890, ClinGen allele CA2854314.
Genomic context (GRCh38, chr4:8,871,280, plus strand): 5'-CTGTCAGGACTGAGGCCGCCTCCATAGCCACCGTGCGCCCGTGGGTACCAGCGCGCTGCG[C>A]CTCCGCAGCCCAGAGCGAAGGGCGGCCCGGGACCGGGGGGCGGCCGAGGACCGAGGCCCA-3'
Protein context (NP_061815.2, residues 102-122): PGPPFALGCG[Gly112Val]AARWYPRAHG

ClinVar aggregate classification (germline): Conflicting classifications of pathogenicity. Review status: criteria provided, conflicting classifications (1 of 4 stars). 6 submissions from 6 submitters: Uncertain significance (4); Likely benign (1). 1 of the submissions does not count toward it. Last evaluated 2025-05-01.

Conditions:
Retinal dystrophy. Also called: Inherited retinal dystrophy. Identifiers: Orphanet 71862, MedGen C0854723, MeSH D058499, MONDO:0019118, HP:0000556.

Allele frequency attached by ClinVar (database versions not stated): TOPMed 0.00022.
gnomAD v4.1: 345 of 1,477,262 alleles (0.023%); highest among the groups gnomAD compares: South Asian, 0.087%; no homozygotes.

Submissions (6):

GeneDx
Classification: Uncertain significance. Last evaluated: 2025-05-01. Review status: criteria provided, single submitter. Criteria: GeneDx Variant Classification Process June 2021. Collection method: clinical testing. Allele origin: germline. Affected: yes.
Comment: In silico analysis supports that this missense variant has a deleterious effect on protein structure/function; Has not been previously published as pathogenic or benign to our knowledge

Blueprint Genetics
Classification: Likely benign. Last evaluated: 2024-11-07. Review status: criteria provided, single submitter. Criteria: ACMG Guidelines, 2015. Collection method: clinical testing. Allele origin: germline.

Labcorp Genetics (formerly Invitae), Labcorp
Classification: Uncertain significance. Last evaluated: 2022-09-13. Review status: criteria provided, single submitter. Criteria: Invitae Variant Classification Sherloc (09022015). Collection method: clinical testing. Allele origin: germline.
Comment: This sequence change replaces glycine, which is neutral and non-polar, with valine, which is neutral and non-polar, at codon 112 of the HMX1 protein (p.Gly112Val). This variant is present in population databases (rs777752890, gnomAD 0.09%). This variant has not been reported in the literature in individuals affected with HMX1-related conditions. ClinVar contains an entry for this variant (Variation ID: 872211). Advanced modeling of protein sequence and biophysical properties (such as structural, functional, and spatial information, amino acid conservation, physicochemical variation, residue mobility, and thermodynamic stability) performed at Invitae indicates that this missense variant is not expected to disrupt HMX1 protein function. In summary, the available evidence is currently insufficient to determine the role of this variant in disease. Therefore, it has been classified as a Variant of Uncertain Significance.

CeGaT Center for Human Genetics Tuebingen
Classification: Uncertain significance. Last evaluated: 2019-11-01. Review status: criteria provided, single submitter. Criteria: CeGaT Center For Human Genetics Tuebingen Variant Classification Criteria Version 2. Collection method: clinical testing. Allele origin: germline. Affected: yes. Observed: 3 variant alleles.

Breakthrough Genomics
Classification: Uncertain significance. Review status: criteria provided, single submitter. Criteria: ACMG Guidelines, 2015. Collection method: not provided. Allele origin: germline. Inheritance: Autosomal recessive inheritance. Affected: yes.

Institute of Human Genetics, Univ. Regensburg, Univ. Regensburg
Classification: Uncertain significance for Retinal dystrophy. Last evaluated: 2022-01-01. Review status: no assertion criteria provided. Criteria: ACMG Guidelines, 2015. Collection method: clinical testing. Allele origin: germline. Affected: yes. Not counted in ClinVar's aggregate classification.